The following is an entry in ClinVar:

NM_024589.3(ROGDI):c.667G>T (p.Ala223Ser)

Gene: ROGDI (rogdi atypical leucine zipper; minus strand). Cytogenetic location: 16p13.3.
Variant type: single nucleotide variant.
Coding change: c.667G>T on transcript NM_024589.3 (MANE Select); coding-DNA position 667, G replaced by T.
Protein change: p.Ala223Ser; replaces alanine 223 with serine.
Molecular consequence: missense variant. On other transcripts: non-coding transcript variant (1).
Genome position (GRCh38, 1-based): chr16:4,797,966, C>A on the plus strand (G>T on the coding strand, the complement: ROGDI is on the minus strand). VCF-style: chr16-4797966-C-A. GRCh37 (hg19) VCF-style: chr16-4847967-C-A.
Other names: short protein forms A223S.
Identifiers: ClinVar variation 582170 (VCV000582170.6), dbSNP rs756917973, ClinGen allele CA7882559.

ClinVar aggregate classification (germline): Uncertain significance (1 of 4 stars; one submission).

Conditions:
Amelocerebrohypohidrotic syndrome (KTZS). Also called: KOHLSCHUTTER SYNDROME; Kohlschutter's syndrome; EPILEPSY AND YELLOW TEETH; EPILEPSY, DEMENTIA, AND AMELOGENESIS IMPERFECTA. Identifiers: Orphanet 1946, MedGen C0406740, MONDO:0009185, OMIM 226750.

Allele frequency attached by ClinVar (database versions not stated): TOPMed 0.00002; gnomAD 0.00003.
gnomAD v4.1: 4 of 1,606,094 alleles (0.00025%); highest among the groups gnomAD compares: Non-Finnish European, 0.00034%; no homozygotes.

Submission:

Labcorp Genetics (formerly Invitae), Labcorp
Classification: Uncertain significance for Amelocerebrohypohidrotic syndrome. Last evaluated: 2021-08-27. Review status: criteria provided, single submitter. Criteria: Invitae Variant Classification Sherloc (09022015). Collection method: clinical testing. Allele origin: germline.
Comment: This sequence change replaces alanine with serine at codon 223 of the ROGDI protein (p.Ala223Ser). The alanine residue is moderately conserved and there is a moderate physicochemical difference between alanine and serine. This variant is present in population databases (rs756917973, ExAC 0.002%). This variant has not been reported in the literature in individuals affected with ROGDI-related conditions. Algorithms developed to predict the effect of missense changes on protein structure and function output the following: SIFT: "Tolerated"; PolyPhen-2: "Benign"; Align-GVGD: "Class C0". The serine amino acid residue is found in multiple mammalian species, which suggests that this missense change does not adversely affect protein function. In summary, the available evidence is currently insufficient to determine the role of this variant in disease. Therefore, it has been classified as a Variant of Uncertain Significance.